The following is an entry in ClinVar:

ClinVar aggregate classification (germline): Uncertain significance (1 of 4 stars; one submission).

Submission:

Labcorp Genetics (formerly Invitae), Labcorp
Classification: Uncertain significance. Last evaluated: 2022-03-13. Review status: criteria provided, single submitter. Criteria: Invitae Variant Classification Sherloc (09022015). Collection method: clinical testing. Allele origin: germline.
Comment: This sequence change replaces arginine, which is basic and polar, with tryptophan, which is neutral and slightly polar, at codon 106 of the SOX10 protein (p.Arg106Trp). This variant is not present in population databases (gnomAD no frequency). This missense change has been observed in individuals with clinical features of SOX10-related conditions (PMID: 21898658; Invitae). Algorithms developed to predict the effect of missense changes on protein structure and function are either unavailable or do not agree on the potential impact of this missense change (SIFT: "Deleterious"; PolyPhen-2: "Probably Damaging"; Align-GVGD: "Class C0"). Experimental studies have shown that this missense change affects SOX10 function (PMID: 21898658). In summary, the available evidence is currently insufficient to determine the role of this variant in disease. Therefore, it has been classified as a Variant of Uncertain Significance.

Literature cited by the submitters: PubMed 21898658.

NM_006941.4(SOX10):c.316C>T (p.Arg106Trp)

Genes: POLR2F (RNA polymerase II, I and III subunit F; plus strand), SOX10 (SRY-box transcription factor 10; minus strand). Cytogenetic location: 22q13.1.
Variant type: single nucleotide variant.
Coding change: c.316C>T on transcript NM_006941.4 (MANE Select); coding-DNA position 316, C replaced by T.
Protein change: p.Arg106Trp; replaces arginine 106 with tryptophan.
Molecular consequence: missense variant. On other transcripts: intron variant (3).
Genome position (GRCh38, 1-based): chr22:37,983,469, G>A on the plus strand (C>T on the coding strand, the complement: SOX10 is on the minus strand). VCF-style: chr22-37983469-G-A. GRCh37 (hg19) VCF-style: chr22-38379476-G-A.
Other names: c.*38+11159G>A (NM_001363825.1); c.294-2685G>A (NM_001301130.2); c.293+16299G>A (NM_001301131.2); short protein forms R106W.
Identifiers: ClinVar variation 2138446 (VCV002138446.3), dbSNP rs1057518656, ClinGen allele CA411500741.